The following is an entry in ClinVar:

NM_001164462.2(MUC12):c.777A>G (p.Pro259=)

Gene: MUC12 (mucin 12, cell surface associated; plus strand). Cytogenetic location: 7q22.1.
Variant type: single nucleotide variant.
Coding change: c.777A>G on transcript NM_001164462.2 (MANE Select); coding-DNA position 777, A replaced by G.
Protein change: p.Pro259=; no amino-acid change (proline 259 retained).
Molecular consequence: synonymous variant.
Genome position (GRCh38, 1-based): chr7:100,991,340, A>G. VCF-style: chr7-100991340-A-G. GRCh37 (hg19) VCF-style: chr7-100634621-A-G.
Identifiers: ClinVar variation 2657798 (VCV002657798.24), dbSNP rs201012482, ClinGen allele CA4398908.

ClinVar aggregate classification (germline): Likely benign (1 of 4 stars; one submission).

Allele frequency attached by ClinVar (database versions not stated): TOPMed 0.00049; gnomAD 0.00063; gnomAD exomes 0.00084; 1000 Genomes Project 30x 0.00203; 1000 Genomes Project 0.00220; ExAC 0.00362.
gnomAD v4.1: 1,304 of 1,537,742 alleles (0.085%); highest among the groups gnomAD compares: South Asian, 0.87%; 17 homozygotes.

Submission:

CeGaT Center for Human Genetics Tuebingen
Classification: Likely benign. Last evaluated: 2024-07-01. Review status: criteria provided, single submitter. Criteria: CeGaT Center For Human Genetics Tuebingen Variant Classification Criteria Version 2. Collection method: clinical testing. Allele origin: germline. Affected: yes. Observed: 2 variant alleles.
Comment: MUC12: BP4, BP7